The following is an entry in ClinVar:

ClinVar aggregate classification (germline): Uncertain significance. Review status: criteria provided, multiple submitters, no conflicts (2 of 4 stars). 2 submissions from 2 submitters: Uncertain significance (2). Last evaluated 2024-09-03.

Conditions:
Inborn genetic diseases. Identifiers: MedGen C0950123, MeSH D030342.

Allele frequency attached by ClinVar (database versions not stated): gnomAD exomes 0.00001 and 0.00003; TOPMed 0.00002.
gnomAD v4.1: 15 of 1,552,926 alleles (0.00097%); highest among the groups gnomAD compares: Admixed American, 0.0097%; no homozygotes.

Submissions (2):

Ambry Genetics
Classification: Uncertain significance for Inborn genetic diseases. Last evaluated: 2024-09-03. Review status: criteria provided, single submitter. Criteria: Ambry Variant Classification Scheme 2023. Collection method: clinical testing. Allele origin: germline.

Labcorp Genetics (formerly Invitae), Labcorp
Classification: Uncertain significance. Last evaluated: 2021-09-30. Review status: criteria provided, single submitter. Criteria: Invitae Variant Classification Sherloc (09022015). Collection method: clinical testing. Allele origin: germline.
Comment: This sequence change replaces glutamic acid with lysine at codon 1984 of the TRIOBP protein (p.Glu1984Lys). The glutamic acid residue is highly conserved and there is a small physicochemical difference between glutamic acid and lysine. The frequency data for this variant in the population databases is considered unreliable, as metrics indicate poor data quality at this position in the ExAC database. This variant has not been reported in the literature in individuals affected with TRIOBP-related conditions. Algorithms developed to predict the effect of missense changes on protein structure and function are either unavailable or do not agree on the potential impact of this missense change (SIFT: "Deleterious"; PolyPhen-2: "Probably Damaging"; Align-GVGD: "Class C15"). In summary, the available evidence is currently insufficient to determine the role of this variant in disease. Therefore, it has been classified as a Variant of Uncertain Significance.

NM_001039141.3(TRIOBP):c.5950G>A (p.Glu1984Lys)

Gene: TRIOBP (TRIO and F-actin binding protein; plus strand). Cytogenetic location: 22q13.1.
Variant type: single nucleotide variant.
Coding change: c.5950G>A on transcript NM_001039141.3 (MANE Select); coding-DNA position 5950, G replaced by A.
Protein change: p.Glu1984Lys; replaces glutamic acid 1984 with lysine.
Molecular consequence: missense variant.
Genome position (GRCh38, 1-based): chr22:37,757,875, G>A. VCF-style: chr22-37757875-G-A. GRCh37 (hg19) VCF-style: chr22-38153882-G-A.
Other names: c.811G>A, p.Glu271Lys (NM_007032.5, NM_138632.2); c.5950G>A (NM_001039141.2); short protein forms E1984K, E271K.
Identifiers: ClinVar variation 1414534 (VCV001414534.4), dbSNP rs756746707, ClinGen allele CA10224857.